The following is an entry in ClinVar:

NM_004655.4(AXIN2):c.1853A>G (p.Asp618Gly)

Gene: AXIN2 (axin 2; minus strand). Cytogenetic location: 17q24.1.
Variant type: single nucleotide variant.
Coding change: c.1853A>G on transcript NM_004655.4 (MANE Select); coding-DNA position 1853, A replaced by G.
Protein change: p.Asp618Gly; replaces aspartic acid 618 with glycine.
Molecular consequence: missense variant. On other transcripts: intron variant (1).
Genome position (GRCh38, 1-based): chr17:65,536,923, T>C on the plus strand (A>G on the coding strand, the complement: AXIN2 is on the minus strand). VCF-style: chr17-65536923-T-C. GRCh37 (hg19) VCF-style: chr17-63533041-T-C.
Other names: c.1713-370A>G (NM_001363813.1); short protein forms D618G.
Identifiers: ClinVar variation 2830404 (VCV002830404.3), dbSNP rs2509407181, ClinGen allele CA400676491.
Genomic context (GRCh38, chr17:65,536,923, plus strand): 5'-GTTTACCTATGGGGCTTGGGCTTGCTCTGCCGCTCACTCTCCAGCATCCACTGCCAGACA[T>C]CCTGCGACCTGTCTCCTTCCTCCCGGGGAAGCTGCAGGGCCCCAGCTCCGCCGGGGGCCC-3'
Protein context (NP_004646.3, residues 608-628): LPREEGDRSQ[Asp618Gly]VWQWMLESER

ClinVar aggregate classification (germline): Uncertain significance (1 of 4 stars; one submission).

Conditions:
Oligodontia-cancer predisposition syndrome. Also called: TOOTH AGENESIS-COLORECTAL CANCER SYNDROME. Identifiers: Orphanet 300576, MedGen C1837750, MONDO:0012075, OMIM 608615. Disease mechanism: loss of function.

Submission:

Labcorp Genetics (formerly Invitae), Labcorp
Classification: Uncertain significance for Oligodontia-cancer predisposition syndrome. Last evaluated: 2023-01-20. Review status: criteria provided, single submitter. Criteria: Invitae Variant Classification Sherloc (09022015). Collection method: clinical testing. Allele origin: germline.
Comment: In summary, the available evidence is currently insufficient to determine the role of this variant in disease. Therefore, it has been classified as a Variant of Uncertain Significance. This sequence change replaces aspartic acid, which is acidic and polar, with glycine, which is neutral and non-polar, at codon 618 of the AXIN2 protein (p.Asp618Gly). This variant is not present in population databases (gnomAD no frequency). This missense change has been observed in individual(s) with tooth agenesis (PMID: 28265457). Advanced modeling of protein sequence and biophysical properties (such as structural, functional, and spatial information, amino acid conservation, physicochemical variation, residue mobility, and thermodynamic stability) performed at Invitae indicates that this missense variant is not expected to disrupt AXIN2 protein function. Algorithms developed to predict the effect of sequence changes on RNA splicing suggest that this variant may disrupt the consensus splice site.

Literature cited by the submitters: PubMed 28265457.